The following is an entry in ClinVar:

ClinVar aggregate classification (germline): Uncertain significance. Review status: criteria provided, multiple submitters, no conflicts (2 of 4 stars). 2 submissions from 2 submitters: Uncertain significance (2). Last evaluated 2025-08-03.

Conditions:
Inborn genetic diseases. Identifiers: MedGen C0950123, MeSH D030342.
Baller-Gerold syndrome (BGS). Also called: CRANIOSYNOSTOSIS WITH RADIAL DEFECTS. Identifiers: Orphanet 1225, MedGen C0265308, MONDO:0009039, OMIM 218600.

gnomAD v4.1: 1 of 1,609,634 alleles (0.000062%); highest among the groups gnomAD compares: Non-Finnish European, 0.000085%; no homozygotes.

Submissions (2):

Ambry Genetics
Classification: Uncertain significance for Inborn genetic diseases. Last evaluated: 2025-08-03. Review status: criteria provided, single submitter. Criteria: Ambry Variant Classification Scheme 2023. Collection method: clinical testing. Allele origin: germline.
Comment: The p.R263S variant (also known as c.789A>T), located in coding exon 5 of the RECQL4 gene, results from an A to T substitution at nucleotide position 789. The arginine at codon 263 is replaced by serine, an amino acid with dissimilar properties. This amino acid position is conserved. In addition, this alteration is predicted to be tolerated by in silico analysis. Based on the available evidence, the clinical significance of this variant remains unclear.

Labcorp Genetics (formerly Invitae), Labcorp
Classification: Uncertain significance for Baller-Gerold syndrome. Last evaluated: 2021-07-19. Review status: criteria provided, single submitter. Criteria: Invitae Variant Classification Sherloc (09022015). Collection method: clinical testing. Allele origin: germline.
Comment: Experimental studies and prediction algorithms are not available or were not evaluated, and the functional significance of this variant is currently unknown. This variant has not been reported in the literature in individuals with RECQL4-related conditions. This variant is not present in population databases (ExAC no frequency). This sequence change replaces arginine with serine at codon 263 of the RECQL4 protein (p.Arg263Ser). The arginine residue is moderately conserved and there is a moderate physicochemical difference between arginine and serine. In summary, the available evidence is currently insufficient to determine the role of this variant in disease. Therefore, it has been classified as a Variant of Uncertain Significance.

NM_004260.4(RECQL4):c.789A>T (p.Arg263Ser)

Gene: RECQL4 (RecQ like helicase 4; minus strand). Cytogenetic location: 8q24.3.
Variant type: single nucleotide variant.
Coding change: c.789A>T on transcript NM_004260.4 (MANE Select); coding-DNA position 789, A replaced by T.
Protein change: p.Arg263Ser; replaces arginine 263 with serine.
Molecular consequence: missense variant.
Genome position (GRCh38, 1-based): chr8:144,516,330, T>A on the plus strand (A>T on the coding strand, the complement: RECQL4 is on the minus strand). VCF-style: chr8-144516330-T-A. GRCh37 (hg19) VCF-style: chr8-145741714-T-A.
Other names: c.789A>T (NM_004260.3); short protein forms R263S.
Identifiers: ClinVar variation 1469880 (VCV001469880.7), dbSNP rs1430320264, ClinGen allele CA372689230.